The following is an entry in ClinVar:

NM_032119.4(ADGRV1):c.13893+202del

Gene: ADGRV1 (adhesion G protein-coupled receptor V1; plus strand). Cytogenetic location: 5q14.3.
Variant type: Deletion.
Coding change: c.13893+202del on transcript NM_032119.4 (MANE Select); 202 bases into the intron after coding-DNA position 13893, one base deleted (T; older notation c.13893+202delT).
Molecular consequence: intron variant.
Genome position (GRCh38, 1-based): chr5:90,788,512, T deleted; the last of 8 consecutive T bases (chr5:90,788,505-90,788,512); deleting any one gives the same sequence. VCF-style (leftmost placement, unchanged base first): chr5-90788504-AT-A. GRCh37 (hg19) VCF-style: chr5-90084321-AT-A.
Identifiers: ClinVar variation 1703408 (VCV001703408.2), dbSNP rs59456029, ClinGen allele CA122810591.

ClinVar aggregate classification (germline): Likely benign (1 of 4 stars; one submission).

Submission:

GeneDx
Classification: Likely benign. Last evaluated: 2020-12-03. Review status: criteria provided, single submitter. Criteria: GeneDx Variant Classification Process June 2021. Collection method: clinical testing. Allele origin: germline. Affected: yes.
Comment: See Variant Classification Assertion Criteria.